The following is an entry in ClinVar:

NM_016507.4(CDK12):c.3866C>G (p.Ala1289Gly)

Gene: CDK12 (cyclin dependent kinase 12; plus strand). Cytogenetic location: 17q12.
Variant type: single nucleotide variant.
Coding change: c.3866C>G on transcript NM_016507.4 (MANE Select); coding-DNA position 3866, C replaced by G.
Protein change: p.Ala1289Gly; replaces alanine 1289 with glycine.
Molecular consequence: missense variant.
Genome position (GRCh38, 1-based): chr17:39,530,709, C>G. VCF-style: chr17-39530709-C-G. GRCh37 (hg19) VCF-style: chr17-37686962-C-G.
Other names: c.3839C>G, p.Ala1280Gly (NM_015083.4); short protein forms A1289G, A1280G.
Identifiers: ClinVar variation 3999534 (VCV003999534.1).

ClinVar aggregate classification (germline): Uncertain significance (1 of 4 stars; one submission).

gnomAD v4.1: 1 of 1,613,762 alleles (0.000062%); highest among the groups gnomAD compares: Non-Finnish European, 0.000085%; no homozygotes.

Submission:

Ambry Genetics
Classification: Uncertain significance. Last evaluated: 2025-06-06. Review status: criteria provided, single submitter. Criteria: Ambry Variant Classification Scheme 2023. Collection method: clinical testing. Allele origin: germline.
Comment: The p.A1289G variant (also known as c.3866C>G), located in coding exon 14 of the CDK12 gene, results from a C to G substitution at nucleotide position 3866. The alanine at codon 1289 is replaced by glycine, an amino acid with similar properties. This amino acid position is conserved. In addition, this alteration is predicted to be tolerated by in silico analysis. Based on the available evidence, the clinical significance of this variant remains unclear.